The following is an entry in ClinVar:

ClinVar aggregate classification (germline): Benign (1 of 4 stars; one submission).

Allele frequency attached by ClinVar (database versions not stated): gnomAD 0.01926 and 0.02061; TOPMed 0.02051; 1000 Genomes Project 0.02057; 1000 Genomes Project 30x 0.02327.
gnomAD v4.1: 2,899 of 152,136 alleles (1.9%); highest among the groups gnomAD compares: African/African-American, 6.7%; 80 homozygotes.

Submission:

GeneDx
Classification: Benign. Last evaluated: 2018-06-16. Review status: criteria provided, single submitter. Criteria: GeneDx Variant Classification (06012015). Collection method: clinical testing. Allele origin: germline. Affected: yes.
Comment: This variant is considered likely benign or benign based on one or more of the following criteria: it is a conservative change, it occurs at a poorly conserved position in the protein, it is predicted to be benign by multiple in silico algorithms, and/or has population frequency not consistent with disease.

NM_138773.4(SLC25A46):c.679-259T>A

Gene: SLC25A46 (solute carrier family 25 member 46; plus strand). Cytogenetic location: 5q22.1.
Variant type: single nucleotide variant.
Coding change: c.679-259T>A on transcript NM_138773.4 (MANE Select); 259 bases into the intron before coding-DNA position 679, T replaced by A.
Molecular consequence: intron variant.
Genome position (GRCh38, 1-based): chr5:110,760,945, T>A. VCF-style: chr5-110760945-T-A. GRCh37 (hg19) VCF-style: chr5-110096645-T-A.
Other names: c.406-259T>A (NM_001303250.3); c.679-502T>A (NM_001303249.3).
Identifiers: ClinVar variation 673807 (VCV000673807.1), dbSNP rs138260858, ClinGen allele CA15376778.